The following is an entry in ClinVar:

NM_015122.3(FCHO1):c.1105C>G (p.Pro369Ala)

Gene: FCHO1 (FCH and mu domain containing endocytic adaptor 1; plus strand). Cytogenetic location: 19p13.11.
Variant type: single nucleotide variant.
Coding change: c.1105C>G on transcript NM_015122.3 (MANE Select); coding-DNA position 1105, C replaced by G.
Protein change: p.Pro369Ala; replaces proline 369 with alanine.
Molecular consequence: missense variant. On other transcripts: non-coding transcript variant (36).
Genome position (GRCh38, 1-based): chr19:17,776,084, C>G. VCF-style: chr19-17776084-C-G. GRCh37 (hg19) VCF-style: chr19-17886893-C-G.
Other names: c.1105C>G, p.Pro369Ala (NM_001161357.2, NM_001161358.2, NM_001384370.1 and 25 more transcripts); c.955C>G, p.Pro319Ala (NM_001161359.2, NM_001384384.1, NM_001384385.1 and 3 more transcripts); c.1066C>G, p.Pro356Ala (NM_001384388.1, NM_001384389.1, NM_001384405.1); c.1030C>G, p.Pro344Ala (NM_001384390.1); c.1060C>G, p.Pro354Ala (NM_001384403.1); short protein forms P356A, P344A, P319A, P354A, P369A.
Identifiers: ClinVar variation 4024168 (VCV004024168.2).
Genomic context (GRCh38, chr19:17,776,084, plus strand): 5'-TTCGACGATGAAGAGCCCCGCAAGTTCTATGTGCACATCAAGCCTGCCCCGGCCCGGGCT[C>G]CAGCCTGCAGCCCCGAGGCAGCAGCGGCACAGCTCAGGGCCACCGCGGGCAGCCTCATCC-3'
Protein context (NP_055937.1, residues 359-379): VHIKPAPARA[Pro369Ala]ACSPEAAAAQ

ClinVar aggregate classification (germline): Uncertain significance. Review status: criteria provided, multiple submitters, no conflicts (2 of 4 stars). 2 submissions from 2 submitters: Uncertain significance (2). Last evaluated 2025-06-02.

gnomAD v4.1: 26 of 1,612,200 alleles (0.0016%); highest among the groups gnomAD compares: South Asian, 0.025%; no homozygotes.

Submissions (2):

Labcorp Genetics (formerly Invitae), Labcorp
Classification: Uncertain significance. Last evaluated: 2025-06-02. Review status: criteria provided, single submitter. Criteria: Invitae Variant Classification Sherloc (09022015). Collection method: clinical testing. Allele origin: germline.
Comment: This sequence change replaces proline, which is neutral and non-polar, with alanine, which is neutral and non-polar, at codon 369 of the FCHO1 protein (p.Pro369Ala). This variant is present in population databases (rs757826850, gnomAD 0.03%). This variant has not been reported in the literature in individuals affected with FCHO1-related conditions. An algorithm developed to predict the effect of missense changes on protein structure and function outputs the following: PolyPhen-2: "Benign". The alanine amino acid residue is found in multiple mammalian species, which suggests that this missense change does not adversely affect protein function. In summary, the available evidence is currently insufficient to determine the role of this variant in disease. Therefore, it has been classified as a Variant of Uncertain Significance.

Ambry Genetics
Classification: Uncertain significance. Last evaluated: 2025-04-15. Review status: criteria provided, single submitter. Criteria: Ambry Variant Classification Scheme 2023. Collection method: clinical testing. Allele origin: germline.